The following is an entry in ClinVar:

NM_001868.4(CPA1):c.101C>G (p.Ala34Gly)

Gene: CPA1 (carboxypeptidase A1; plus strand). Cytogenetic location: 7q32.2.
Variant type: single nucleotide variant.
Coding change: c.101C>G on transcript NM_001868.4 (MANE Select); coding-DNA position 101, C replaced by G.
Protein change: p.Ala34Gly; replaces alanine 34 with glycine.
Molecular consequence: missense variant.
Genome position (GRCh38, 1-based): chr7:130,381,133, C>G. VCF-style: chr7-130381133-C-G. GRCh37 (hg19) VCF-style: chr7-130020974-C-G.
Other names: short protein forms A34G.
Identifiers: ClinVar variation 1754707 (VCV001754707.3), dbSNP rs2536003714, ClinGen allele CA369279234.

ClinVar aggregate classification (germline): Uncertain significance (1 of 4 stars; one submission).

Conditions:
Hereditary pancreatitis (PCTT). Also called: Hereditary chronic pancreatitis; PRSS1-Related Hereditary Pancreatitis. Identifiers: Orphanet 676, MedGen C0238339, MONDO:0008185, OMIM 167800.

Allele frequency attached by ClinVar (database versions not stated): gnomAD exomes below 0.00001.
gnomAD v4.1: 1 of 1,613,626 alleles (0.000062%); highest among the groups gnomAD compares: Non-Finnish European, 0.000085%; no homozygotes.

Submission:

Ambry Genetics
Classification: Uncertain significance for Hereditary pancreatitis. Last evaluated: 2024-07-05. Review status: criteria provided, single submitter. Criteria: Ambry Variant Classification Scheme 2023. Collection method: clinical testing. Allele origin: germline.
Comment: The p.A34G variant (also known as c.101C>G), located in coding exon 2 of the CPA1 gene, results from a C to G substitution at nucleotide position 101. The alanine at codon 34 is replaced by glycine, an amino acid with similar properties. This amino acid position is conserved. In addition, this alteration is predicted to be tolerated by in silico analysis. Since supporting evidence is limited at this time, the clinical significance of this alteration remains unclear.